The following is an entry in ClinVar:

NM_000077.5(CDKN2A):c.*3G>A

Gene: CDKN2A (cyclin dependent kinase inhibitor 2A; minus strand). Cytogenetic location: 9p21.3.
Variant type: single nucleotide variant.
Coding change: c.*3G>A on transcript NM_000077.5; 3 bases downstream of the stop codon, G replaced by A.
Molecular consequence: 3 prime UTR variant (on NM_001195132.2).
Genome position (GRCh38, 1-based): chr9:21,968,226, C>T on the plus strand (G>A on the coding strand, the complement: CDKN2A is on the minus strand). VCF-style: chr9-21968226-C-T. GRCh37 (hg19) VCF-style: chr9-21968225-C-T.
Other names: c.*3G>A (NM_000077.6, NM_001363763.2); c.*167G>A (NM_001195132.2); c.*118G>A (NM_058195.4); c.*397G>A (NM_058197.5).
Identifiers: ClinVar variation 919302 (VCV000919302.3), dbSNP rs950682180, ClinGen allele CA190727938.

ClinVar aggregate classification (germline): Conflicting classifications of pathogenicity. Review status: criteria provided, conflicting classifications (1 of 4 stars). 2 submissions from 2 submitters: Uncertain significance (1); Benign (1). Last evaluated 2025-08-20.

Conditions:
Hereditary cancer-predisposing syndrome. Also called: Tumor predisposition; Neoplastic Syndromes, Hereditary; Hereditary neoplastic syndrome; Hereditary Cancer Syndrome. Identifiers: Orphanet 140162, MedGen C0027672, MeSH D009386, MONDO:0015356.
Melanoma-pancreatic cancer syndrome. Identifiers: Orphanet 404560, MedGen C1838547, MONDO:0011713, OMIM 606719. Disease mechanism: loss of function.

Allele frequency attached by ClinVar (database versions not stated): gnomAD exomes below 0.00001; gnomAD 0.00001; TOPMed 0.00001.

Submissions (2):

Myriad Genetics, Inc.
Classification: Benign for Melanoma-pancreatic cancer syndrome. Last evaluated: 2025-08-20. Review status: criteria provided, single submitter. Criteria: Myriad Autosomal Dominant, Autosomal Recessive and X-Linked Classification Criteria (2023). Collection method: clinical testing. Allele origin: unknown.
Comment: This variant is considered benign. This variant occurs in the non-coding 3' untranslated region of the gene, and is not expected to impact protein function.

Color Diagnostics, LLC DBA Color Health
Classification: Uncertain significance for Hereditary cancer-predisposing syndrome. Last evaluated: 2019-05-22. Review status: criteria provided, single submitter. Criteria: ACMG Guidelines, 2015. Collection method: clinical testing. Allele origin: germline.